The following is an entry in ClinVar:

NM_006258.4(PRKG1):c.1189G>A (p.Glu397Lys)

Gene: PRKG1 (protein kinase cGMP-dependent 1; plus strand). Cytogenetic location: 10q21.1.
Variant type: single nucleotide variant.
Coding change: c.1189G>A on transcript NM_006258.4 (MANE Select); coding-DNA position 1189, G replaced by A.
Protein change: p.Glu397Lys; replaces glutamic acid 397 with lysine.
Molecular consequence: missense variant. On other transcripts: 5 prime UTR variant (1).
Genome position (GRCh38, 1-based): chr10:52,271,365, G>A. VCF-style: chr10-52271365-G-A. GRCh37 (hg19) VCF-style: chr10-54031125-G-A.
Other names: c.1144G>A, p.Glu382Lys (NM_001098512.3); c.-21G>A (NM_001374781.1); short protein forms E397K, E382K.
Identifiers: ClinVar variation 842570 (VCV000842570.10), dbSNP rs773557548, ClinGen allele CA5503794.
Genomic context (GRCh38, chr10:52,271,365, plus strand): 5'-ACAAGTCTATGGGCTTTTTCTTACTCTCTTCTCTCTTTCTTTAAGGTCCAGTTGAAAAGT[G>A]AAGAATCCAAAACGTTTGCAATGAAGATTCTCAAGAAACGTCACATTGTGGACACAAGAC-3'
Protein context (NP_006249.1, residues 387-407): GRVELVQLKS[Glu397Lys]ESKTFAMKIL

ClinVar aggregate classification (germline): Uncertain significance. Review status: criteria provided, multiple submitters, no conflicts (2 of 4 stars). 2 submissions from 2 submitters: Uncertain significance (2). Last evaluated 2025-10-18.

Conditions:
Aortic aneurysm, familial thoracic 8 (AAT8). Identifiers: MedGen C3809513, MONDO:0014187, OMIM 615436.
Familial thoracic aortic aneurysm and aortic dissection (TAAD). Also called: Thoracic aortic aneurysms and dissections. Identifiers: Orphanet 91387, MedGen C4707243, MONDO:0019625.

Allele frequency attached by ClinVar (database versions not stated): gnomAD exomes 0.00001; ExAC 0.00003.
gnomAD v4.1: 15 of 1,612,512 alleles (0.00093%); highest among the groups gnomAD compares: Non-Finnish European, 0.0012%; no homozygotes.

Submissions (2):

Labcorp Genetics (formerly Invitae), Labcorp
Classification: Uncertain significance for Aortic aneurysm, familial thoracic 8. Last evaluated: 2025-10-18. Review status: criteria provided, single submitter. Criteria: Invitae Variant Classification Sherloc (09022015). Collection method: clinical testing. Allele origin: germline.
Comment: This sequence change replaces glutamic acid, which is acidic and polar, with lysine, which is basic and polar, at codon 397 of the PRKG1 protein (p.Glu397Lys). This variant is present in population databases (rs773557548, gnomAD 0.003%). This variant has not been reported in the literature in individuals affected with PRKG1-related conditions. ClinVar contains an entry for this variant (Variation ID: 842570). An algorithm developed to predict the effect of missense changes on protein structure and function (PolyPhen-2) suggests that this variant is likely to be tolerated. In summary, the available evidence is currently insufficient to determine the role of this variant in disease. Therefore, it has been classified as a Variant of Uncertain Significance.

Ambry Genetics
Classification: Uncertain significance for Familial thoracic aortic aneurysm and aortic dissection. Last evaluated: 2024-12-28. Review status: criteria provided, single submitter. Criteria: Ambry Variant Classification Scheme 2023. Collection method: clinical testing. Allele origin: germline.
Comment: The p.E397K variant (also known as c.1189G>A), located in coding exon 11 of the PRKG1 gene, results from a G to A substitution at nucleotide position 1189. The glutamic acid at codon 397 is replaced by lysine, an amino acid with similar properties. This amino acid position is conserved. In addition, this alteration is predicted to be tolerated by in silico analysis. Based on the available evidence, the clinical significance of this variant remains unclear.